The following is an entry in ClinVar:

NM_033087.4(ALG2):c.1133G>A (p.Arg378His)

Gene: ALG2 (ALG2 alpha-1,3/1,6-mannosyltransferase; minus strand). Cytogenetic location: 9q22.33.
Variant type: single nucleotide variant.
Coding change: c.1133G>A on transcript NM_033087.4 (MANE Select); coding-DNA position 1133, G replaced by A.
Protein change: p.Arg378His; replaces arginine 378 with histidine.
Molecular consequence: missense variant. On other transcripts: non-coding transcript variant (1).
Genome position (GRCh38, 1-based): chr9:99,218,052, C>T on the plus strand (G>A on the coding strand, the complement: ALG2 is on the minus strand). VCF-style: chr9-99218052-C-T. GRCh37 (hg19) VCF-style: chr9-101980334-C-T.
Other names: c.1133G>A (NM_033087.3); short protein forms R378H.
Identifiers: ClinVar variation 2146428 (VCV002146428.2), dbSNP rs376229898, ClinGen allele CA196852701.

ClinVar aggregate classification (germline): Conflicting classifications of pathogenicity. Review status: criteria provided, conflicting classifications (1 of 4 stars). 2 submissions from 2 submitters: Uncertain significance (1); Likely benign (1). Last evaluated 2024-07-09.

Conditions:
Inborn genetic diseases. Identifiers: MedGen C0950123, MeSH D030342.
Congenital disorder of glycosylation, type Ii. Also called: ALG2-congenital disorder of glycosylation; CDG Ii; ALG2-CDG. Identifiers: Orphanet 79326, MedGen C1842836, MONDO:0011933, OMIM 607906.
Congenital myasthenic syndrome 14. Also called: Myasthenic syndrome, congenital, 14, with tubular aggregates. Identifiers: Orphanet 353327, Orphanet 590, MedGen C4015597, MONDO:0014543, OMIM 616228.

Allele frequency attached by ClinVar (database versions not stated): gnomAD exomes below 0.00001; gnomAD 0.00003; ESP Exome Variant Server 0.00008.
gnomAD v4.1: 9 of 1,614,004 alleles (0.00056%); highest among the groups gnomAD compares: Middle Eastern, 0.016%; no homozygotes.

Submissions (2):

Ambry Genetics
Classification: Likely benign for Inborn genetic diseases. Last evaluated: 2024-07-09. Review status: criteria provided, single submitter. Criteria: Ambry Variant Classification Scheme 2023. Collection method: clinical testing. Allele origin: germline.

Labcorp Genetics (formerly Invitae), Labcorp
Classification: Uncertain significance for Congenital disorder of glycosylation, type Ii; Congenital myasthenic syndrome 14. Last evaluated: 2022-05-12. Review status: criteria provided, single submitter. Criteria: Invitae Variant Classification Sherloc (09022015). Collection method: clinical testing. Allele origin: germline.
Comment: This sequence change replaces arginine, which is basic and polar, with histidine, which is basic and polar, at codon 378 of the ALG2 protein (p.Arg378His). This variant is present in population databases (rs376229898, gnomAD 0.004%). This variant has not been reported in the literature in individuals affected with ALG2-related conditions. Algorithms developed to predict the effect of missense changes on protein structure and function output the following: SIFT: "Tolerated"; PolyPhen-2: "Benign"; Align-GVGD: "Class C0". The histidine amino acid residue is found in multiple mammalian species, which suggests that this missense change does not adversely affect protein function. In summary, the available evidence is currently insufficient to determine the role of this variant in disease. Therefore, it has been classified as a Variant of Uncertain Significance.